The following is an entry in ClinVar:

ClinVar aggregate classification (germline): Uncertain significance (1 of 4 stars; one submission).

Submission:

GeneDx
Classification: Uncertain significance. Last evaluated: 2023-12-11. Review status: criteria provided, single submitter. Criteria: GeneDx Variant Classification Process June 2021. Collection method: clinical testing. Allele origin: germline. Affected: yes.
Comment: Not observed at significant frequency in large population cohorts (gnomAD); In silico analysis supports that this missense variant does not alter protein structure/function; Has not been previously published as pathogenic or benign to our knowledge

NM_018117.12(WDR11):c.985G>A (p.Glu329Lys)

Gene: WDR11 (WD repeat domain 11; plus strand). Cytogenetic location: 10q26.12.
Variant type: single nucleotide variant.
Coding change: c.985G>A on transcript NM_018117.12 (MANE Select); coding-DNA position 985, G replaced by A.
Protein change: p.Glu329Lys; replaces glutamic acid 329 with lysine.
Molecular consequence: missense variant.
Genome position (GRCh38, 1-based): chr10:120,865,735, G>A. VCF-style: chr10-120865735-G-A. GRCh37 (hg19) VCF-style: chr10-122625247-G-A.
Other names: short protein forms E329K.
Identifiers: ClinVar variation 3252755 (VCV003252755.1), dbSNP rs1443712298.